The following is an entry in ClinVar:

NM_001378120.1(MBD5):c.4319G>A (p.Arg1440Gln)

Gene: MBD5 (methyl-CpG binding domain protein 5; plus strand). Cytogenetic location: 2q23.1.
Variant type: single nucleotide variant.
Coding change: c.4319G>A on transcript NM_001378120.1 (MANE Select); coding-DNA position 4319, G replaced by A.
Protein change: p.Arg1440Gln; replaces arginine 1440 with glutamine.
Molecular consequence: missense variant.
Genome position (GRCh38, 1-based): chr2:148,489,951, G>A. VCF-style: chr2-148489951-G-A. GRCh37 (hg19) VCF-style: chr2-149247520-G-A.
Other names: c.3620G>A, p.Arg1207Gln (NM_018328.5); short protein forms R1207Q, R1440Q.
Identifiers: ClinVar variation 331345 (VCV000331345.10), dbSNP rs139042949, ClinGen allele CA1900412.

ClinVar aggregate classification (germline): Conflicting classifications of pathogenicity. Review status: criteria provided, conflicting classifications (1 of 4 stars). 3 submissions from 3 submitters: Uncertain significance (1); Likely benign (2). Last evaluated 2025-12-13.

Conditions:
Inborn genetic diseases. Identifiers: MedGen C0950123, MeSH D030342.
Intellectual developmental disorder, autosomal dominant 1. Also called: Intellectual disability, autosomal dominant 1; MBD5 Haploinsufficiency. Identifiers: Orphanet 228402, MedGen C1969562, MONDO:0007974, OMIM 156200.

Allele frequency attached by ClinVar (database versions not stated): ExAC 0.00002; gnomAD 0.00002; gnomAD exomes 0.00004 and 0.00008; ESP Exome Variant Server 0.00008; TOPMed 0.00002.
gnomAD v4.1: 120 of 1,613,852 alleles (0.0074%); highest among the groups gnomAD compares: Non-Finnish European, 0.0094%; no homozygotes.

Submissions (3):

Labcorp Genetics (formerly Invitae), Labcorp
Classification: Uncertain significance for Intellectual developmental disorder, autosomal dominant 1. Last evaluated: 2025-12-13. Review status: criteria provided, single submitter. Criteria: Invitae Variant Classification Sherloc (09022015). Collection method: clinical testing. Allele origin: germline.
Comment: This sequence change replaces arginine, which is basic and polar, with glutamine, which is neutral and polar, at codon 1207 of the MBD5 protein (p.Arg1207Gln). This variant is present in population databases (rs139042949, gnomAD 0.006%). This variant has not been reported in the literature in individuals affected with MBD5-related conditions. ClinVar contains an entry for this variant (Variation ID: 331345). An algorithm developed to predict the effect of missense changes on protein structure and function outputs the following: PolyPhen-2: "Not Available". The glutamine amino acid residue is found in multiple mammalian species, which suggests that this missense change does not adversely affect protein function. In summary, the available evidence is currently insufficient to determine the role of this variant in disease. Therefore, it has been classified as a Variant of Uncertain Significance.

Ambry Genetics
Classification: Likely benign for Inborn genetic diseases. Last evaluated: 2024-10-29. Review status: criteria provided, single submitter. Criteria: Ambry Variant Classification Scheme 2023. Collection method: clinical testing. Allele origin: germline.

GeneDx
Classification: Likely benign. Last evaluated: 2018-02-13. Review status: criteria provided, single submitter. Criteria: GeneDx Variant Classification (06012015). Collection method: clinical testing. Allele origin: germline. Affected: yes.
Comment: This variant is considered likely benign or benign based on one or more of the following criteria: it is a conservative change, it occurs at a poorly conserved position in the protein, it is predicted to be benign by multiple in silico algorithms, and/or has population frequency not consistent with disease.